The following is an entry in ClinVar:

ClinVar aggregate classification (germline): Conflicting classifications of pathogenicity. Review status: criteria provided, conflicting classifications (1 of 4 stars). 15 submissions from 11 submitters: Uncertain significance (6); Benign (3); Likely benign (5). 1 of the submissions does not count toward it. Last evaluated 2026-01-27.

Conditions:
Dilated cardiomyopathy 1G (CMD1G). Identifiers: Orphanet 154, MedGen C1858763, MONDO:0011400, OMIM 604145.
Autosomal recessive limb-girdle muscular dystrophy type 2J (LGMDR10). Also called: Limb-girdle muscular dystrophy, type 2J; MUSCULAR DYSTROPHY, LIMB-GIRDLE, AUTOSOMAL RECESSIVE 10. Identifiers: Orphanet 140922, MedGen C1837342, MONDO:0012127, OMIM 608807.
TTN-related disorder. Also called: TTN-related condition; TTN-related disease; TTN-related disorders.
Cardiomyopathy (CMYO). Also called: Cardiomyopathies. Identifiers: Orphanet 167848, MedGen C0878544, MONDO:0004994, HP:0001638. Inheritance: Various modes of inheritance.
Early-onset myopathy with fatal cardiomyopathy (CMYO5). Also called: Salih Myopathy; CONGENITAL MYOPATHY 5 WITH CARDIOMYOPATHY. Identifiers: Orphanet 289377, MedGen C2673677, MONDO:0012714, OMIM 611705. Disease mechanism: loss of function.
Myopathy, myofibrillar, 9, with early respiratory failure (MFM9). Also called: MYOPATHY, PROXIMAL, WITH EARLY RESPIRATORY MUSCLE INVOLVEMENT; Hereditary myopathy with early respiratory failure; Myopathy, distal, with early respiratory failure, autosomal dominant; EDSTROM MYOPATHY. Identifiers: Orphanet 34521, MedGen C1863599, MONDO:0011362, OMIM 603689, Orphanet 178464.
Tibial muscular dystrophy (TMD). Also called: Udd Distal Myopathy – Tibial Muscular Dystrophy; UDD MYOPATHY; Tibial muscular dystrophy, tardive. Identifiers: Orphanet 609, MedGen C1838244, MONDO:0010870, OMIM 600334.

Allele frequency attached by ClinVar (database versions not stated): gnomAD 0.00003; TOPMed 0.00008; gnomAD exomes 0.00009 and 0.00024; ExAC 0.00027; 1000 Genomes Project 0.00060; 1000 Genomes Project 30x 0.00094.
gnomAD v4.1: 156 of 1,612,064 alleles (0.0097%); highest among the groups gnomAD compares: South Asian, 0.073%; no homozygotes.

Submissions (15):

Labcorp Genetics (formerly Invitae), Labcorp
Classification: Likely benign for Dilated cardiomyopathy 1G; Autosomal recessive limb-girdle muscular dystrophy type 2J. Last evaluated: 2026-01-27. Review status: criteria provided, single submitter. Criteria: Invitae Variant Classification Sherloc (09022015). Collection method: clinical testing. Allele origin: germline.

Molecular Diagnostic Laboratory for Inherited Cardiovascular Disease, Montreal Heart Institute
Classification: Likely benign. Last evaluated: 2025-04-09. Review status: criteria provided, single submitter. Criteria: ACMG Guidelines, 2015. Collection method: clinical testing. Allele origin: germline. Affected: no.
Comment: BS1;BP1

Blueprint Genetics
Classification: Likely benign. Last evaluated: 2024-09-20. Review status: criteria provided, single submitter. Criteria: ACMG Guidelines, 2015. Collection method: clinical testing. Allele origin: germline.

Revvity Omics, Revvity
Classification: Uncertain significance. Last evaluated: 2024-06-18. Review status: criteria provided, single submitter. Criteria: ACMG Guidelines, 2015. Collection method: clinical testing. Allele origin: germline.

CHEO Genetics Diagnostic Laboratory, Children's Hospital of Eastern Ontario
Classification: Benign for Cardiomyopathy. Last evaluated: 2019-06-26. Review status: criteria provided, single submitter. Criteria: ACMG Guidelines, 2015. Collection method: clinical testing. Allele origin: germline.

GeneDx
Classification: Likely benign. Last evaluated: 2018-10-12. Review status: criteria provided, single submitter. Criteria: GeneDx Variant Classification Process June 2021. Collection method: clinical testing. Allele origin: germline. Affected: yes.
Comment: This variant is associated with the following publications: (PMID: 30847666)

Athena Diagnostics
Classification: Likely benign. Last evaluated: 2018-08-14. Review status: criteria provided, single submitter. Criteria: Athena Diagnostics Criteria. Collection method: clinical testing. Allele origin: germline.

Eurofins Ntd Llc (ga)
Classification: Uncertain significance. Last evaluated: 2018-05-18. Review status: criteria provided, single submitter. Criteria: EGL ClinVar v180209 classification definitions. Collection method: clinical testing. Allele origin: germline. Observed: 1 variant allele, 1 heterozygote.

Illumina Laboratory Services, Illumina
Classification: Benign for Myopathy, myofibrillar, 9, with early respiratory failure. Last evaluated: 2018-01-13. Review status: criteria provided, single submitter. Criteria: ICSL Variant Classification Criteria 13 December 2019. Collection method: clinical testing. Allele origin: germline.
Comment: This variant was observed in the ICSL laboratory as part of a predisposition screen in an ostensibly healthy population. It had not been previously curated by ICSL or reported in the Human Gene Mutation Database (HGMD: prior to June 1st, 2018), and was therefore a candidate for classification through an automated scoring system. Utilizing variant allele frequency, disease prevalence and penetrance estimates, and inheritance mode, an automated score was calculated to assess if this variant is too frequent to cause the disease. Based on the score and internal cut-off values, a variant classified as benign is not then subjected to further curation. The score for this variant resulted in a classification of benign for this disease.

Illumina Laboratory Services, Illumina
Classification: Uncertain significance for Dilated cardiomyopathy 1G. Last evaluated: 2018-01-13. Review status: criteria provided, single submitter. Criteria: ICSL Variant Classification Criteria 13 December 2019. Collection method: clinical testing. Allele origin: germline.

Illumina Laboratory Services, Illumina
Classification: Uncertain significance for Autosomal recessive limb-girdle muscular dystrophy type 2J. Last evaluated: 2018-01-13. Review status: criteria provided, single submitter. Criteria: ICSL Variant Classification Criteria 13 December 2019. Collection method: clinical testing. Allele origin: germline.

Illumina Laboratory Services, Illumina
Classification: Benign for Tibial muscular dystrophy. Last evaluated: 2018-01-13. Review status: criteria provided, single submitter. Criteria: ICSL Variant Classification Criteria 13 December 2019. Collection method: clinical testing. Allele origin: germline.
Comment: the same text as in the submission from Illumina Laboratory Services, Illumina above.

Illumina Laboratory Services, Illumina
Classification: Uncertain significance for Early-onset myopathy with fatal cardiomyopathy. Last evaluated: 2018-01-13. Review status: criteria provided, single submitter. Criteria: ICSL Variant Classification Criteria 13 December 2019. Collection method: clinical testing. Allele origin: germline.

Laboratory for Molecular Medicine, Mass General Brigham Personalized Medicine
Classification: Uncertain significance. Last evaluated: 2014-09-17. Review status: criteria provided, single submitter. Criteria: LMM Criteria. Collection method: clinical testing. Allele origin: germline. Observed: 1 variant allele.
Comment: The Thr13048Met variant in TTN has not been previously reported in individuals w ith cardiomyopathy or in large population studies. Computational prediction tool s and conservation analysis do not provide strong support for or against an impa ct to the protein. In summary, the clinical significance of the Thr13048Met vari ant is uncertain.

PreventionGenetics, part of Exact Sciences
Classification: Likely benign for TTN-related condition. Last evaluated: 2022-10-17. Review status: no assertion criteria provided. Collection method: clinical testing. Allele origin: germline. Not counted in ClinVar's aggregate classification.
Comment: This variant is classified as likely benign based on ACMG/AMP sequence variant interpretation guidelines (Richards et al. 2015 PMID: 25741868, with internal and published modifications).

NM_001267550.2(TTN):c.46847C>T (p.Thr15616Met)

Genes: TTN (titin; minus strand), TTN-AS1 (TTN antisense RNA 1; plus strand). Cytogenetic location: 2q31.2.
Variant type: single nucleotide variant.
Coding change: c.46847C>T on transcript NM_001267550.2 (MANE Select); coding-DNA position 46847, C replaced by T.
Protein change: p.Thr15616Met; replaces threonine 15616 with methionine.
Molecular consequence: missense variant.
Genome position (GRCh38, 1-based): chr2:178,618,703, G>A on the plus strand (C>T on the coding strand, the complement: TTN is on the minus strand). VCF-style: chr2-178618703-G-A. GRCh37 (hg19) VCF-style: chr2-179483430-G-A.
Other names: c.41924C>T, p.Thr13975Met (NM_001256850.1); c.19652C>T, p.Thr6551Met (NM_003319.4); c.20027C>T, p.Thr6676Met (NM_133432.3); c.20228C>T, p.Thr6743Met (NM_133437.4); c.39143C>T, p.Thr13048Met (NM_133378.4); short protein forms T13048M, T15616M, T6743M, T13975M, T6676M, T6551M.
Identifiers: ClinVar variation 180019 (VCV000180019.34), dbSNP rs368057764, ClinGen allele CA185646.